The following is an entry in ClinVar:

NM_022489.4(INF2):c.1076G>A (p.Ser359Asn)

Gene: INF2 (inverted formin 2; plus strand). Cytogenetic location: 14q32.33.
Variant type: single nucleotide variant.
Coding change: c.1076G>A on transcript NM_022489.4 (MANE Select); coding-DNA position 1076, G replaced by A.
Protein change: p.Ser359Asn; replaces serine 359 with asparagine.
Molecular consequence: missense variant.
Genome position (GRCh38, 1-based): chr14:104,707,343, G>A. VCF-style: chr14-104707343-G-A. GRCh37 (hg19) VCF-style: chr14-105173680-G-A.
Other names: c.1076G>A, p.Ser359Asn (NM_001031714.4, NM_001426862.1, NM_001426863.1 and 2 more transcripts); short protein forms S359N.
Identifiers: ClinVar variation 2930957 (VCV002930957.3), dbSNP rs749639219, ClinGen allele CA7372503.

ClinVar aggregate classification (germline): Uncertain significance (1 of 4 stars; one submission).

Conditions:
Focal segmental glomerulosclerosis 5 (FSGS5). Identifiers: Orphanet 656, MedGen C2750475, MONDO:0013191, OMIM 613237.
Charcot-Marie-Tooth disease dominant intermediate E. Also called: CHARCOT-MARIE-TOOTH NEUROPATHY WITH FOCAL SEGMENTAL GLOMERULONEPHRITIS. Identifiers: Orphanet 93114, MedGen C4302667, MONDO:0013758, OMIM 614455.

Allele frequency attached by ClinVar (database versions not stated): TOPMed below 0.00001; gnomAD 0.00001; ExAC 0.00002; gnomAD exomes 0.00003.

Submission:

Labcorp Genetics (formerly Invitae), Labcorp
Classification: Uncertain significance for Charcot-Marie-Tooth disease dominant intermediate E; Focal segmental glomerulosclerosis 5. Last evaluated: 2023-11-12. Review status: criteria provided, single submitter. Criteria: Invitae Variant Classification Sherloc (09022015). Collection method: clinical testing. Allele origin: germline.
Comment: This sequence change replaces serine, which is neutral and polar, with asparagine, which is neutral and polar, at codon 359 of the INF2 protein (p.Ser359Asn). This variant is present in population databases (rs749639219, gnomAD 0.001%). This variant has not been reported in the literature in individuals affected with INF2-related conditions. Advanced modeling of protein sequence and biophysical properties (such as structural, functional, and spatial information, amino acid conservation, physicochemical variation, residue mobility, and thermodynamic stability) performed at Invitae indicates that this missense variant is not expected to disrupt INF2 protein function with a negative predictive value of 95%. In summary, the available evidence is currently insufficient to determine the role of this variant in disease. Therefore, it has been classified as a Variant of Uncertain Significance.